The following is an entry in ClinVar:

ClinVar aggregate classification (germline): Likely benign. Review status: criteria provided, single submitter (1 of 4 stars). 3 submissions from 3 submitters: Likely benign (1). 2 of the submissions do not count toward it. Last evaluated 2025-05-03.

Conditions:
Autosomal recessive polycystic kidney disease (ARPKD). Also called: AR polycystic kidney disease. Identifiers: Orphanet 731, Orphanet 8378, MedGen C0085548, MeSH D017044, MONDO:0009889.
PKHD1-related disorder. Also called: PKHD1-related condition.

Allele frequency attached by ClinVar (database versions not stated): gnomAD exomes 0.00001 and 0.00010; gnomAD 0.00002 and 0.00003; TOPMed 0.00003; ExAC 0.00007; 1000 Genomes Project 30x 0.00031; 1000 Genomes Project 0.00040.
gnomAD v4.1: 22 of 1,614,112 alleles (0.0014%); highest among the groups gnomAD compares: East Asian, 0.04%; no homozygotes.

Submissions (3):

Labcorp Genetics (formerly Invitae), Labcorp
Classification: Likely benign for Autosomal recessive polycystic kidney disease. Last evaluated: 2025-05-03. Review status: criteria provided, single submitter. Criteria: Invitae Variant Classification Sherloc (09022015). Collection method: clinical testing. Allele origin: germline.

PreventionGenetics, part of Exact Sciences
Classification: Uncertain significance for PKHD1-related condition. Last evaluated: 2023-12-07. Review status: no assertion criteria provided. Collection method: clinical testing. Allele origin: germline. Not counted in ClinVar's aggregate classification.
Comment: The PKHD1 c.2291C>T variant is predicted to result in the amino acid substitution p.Thr764Ile. This variant was reported in an individual with Polycystic kidney disease, autosomal dominant (Yu et al 2022. PubMed ID: 35778421). This variant is reported in 0.14% of alleles in individuals of East Asian descent in gnomAD. Although we suspect that this variant may be benign, at this time, the clinical significance of this variant is uncertain due to the absence of conclusive functional and genetic evidence.

Natera, Inc.
Classification: Uncertain significance for Autosomal recessive polycystic kidney disease. Last evaluated: 2017-10-16. Review status: no assertion criteria provided. Collection method: clinical testing. Allele origin: germline. Not counted in ClinVar's aggregate classification.

NM_138694.4(PKHD1):c.2291C>T (p.Thr764Ile)

Gene: PKHD1 (PKHD1 ciliary IPT domain containing fibrocystin/polyductin; minus strand). Cytogenetic location: 6p12.2.
Variant type: single nucleotide variant.
Coding change: c.2291C>T on transcript NM_138694.4 (MANE Select); coding-DNA position 2291, C replaced by T.
Protein change: p.Thr764Ile; replaces threonine 764 with isoleucine.
Molecular consequence: missense variant.
Genome position (GRCh38, 1-based): chr6:52,048,608, G>A on the plus strand (C>T on the coding strand, the complement: PKHD1 is on the minus strand). VCF-style: chr6-52048608-G-A. GRCh37 (hg19) VCF-style: chr6-51913406-G-A.
Other names: c.2291C>T, p.Thr764Ile (NM_170724.3); short protein forms T764I.
Identifiers: ClinVar variation 662522 (VCV000662522.16), dbSNP rs190315828, ClinGen allele CA3853256.
Genomic context (GRCh38, chr6:52,048,608, plus strand): 5'-GTCCGCTGTCGTCTCTGTGTCGTCACCAGGACCAGTCCAGATCCCTCTTCTGTTCCTTCA[G>A]TGGGCACAGAGCTGTGGCACGTCAGAAACAAAGTATTAACGTCTGGGTTGGGGTGTGCAC-3'
Protein context (NP_619639.3, residues 754-774): LPLITARSVP[Thr764Ile]EGTEEGSGLV